The following is an entry in ClinVar:

ClinVar aggregate classification (germline): Uncertain significance. Review status: criteria provided, multiple submitters, no conflicts (2 of 4 stars). 4 submissions from 4 submitters: Uncertain significance (4). Last evaluated 2026-07-01.

Conditions:
Glycogen storage disease, type II (IOPD). Also called: CARDIOMEGALIA GLYCOGENICA DIFFUSA; GLYCOGENOSIS, GENERALIZED, CARDIAC FORM; GSD II; POMPE DISEASE, INFANTILE-ONSET; GLYCOGEN STORAGE DISEASE II, INFANTILE-ONSET; ACID ALPHA-GLUCOSIDASE DEFICIENCY, INFANTILE-ONSET. Identifiers: Orphanet 365, MedGen C0017921, MONDO:0009290, OMIM 232300.

Allele frequency attached by ClinVar (database versions not stated): gnomAD exomes 0.00001; TOPMed 0.00001; ExAC 0.00002; gnomAD 0.00002 and 0.00003.
gnomAD v4.1: 15 of 1,598,810 alleles (0.00094%); highest among the groups gnomAD compares: South Asian, 0.0045%; no homozygotes.

Submissions (4):

Genomenon, Inc
Classification: Uncertain significance for Glycogen storage disease, type II. Last evaluated: 2026-07-01. Review status: criteria provided, single submitter. Criteria: Genomenon Sequence Variant Interpretation Standards - Updated. Collection method: curation. Allele origin: germline. Affected: yes.
Comment: GAA p.Arg436Gln (c.1307G>A) is a missense variant that changes the amino acid at codon 436 from Arginine to Glutamine. This variant has been observed in at least one proband with a GAA-related disorder (PMID:40225932). It is absent or not present at a significant frequency in gnomAD. In silico models predict that this variant is not damaging. In conclusion, we classify GAA p.Arg436Gln (c.1307G>A) as a variant of uncertain significance.

Labcorp Genetics (formerly Invitae), Labcorp
Classification: Uncertain significance for Glycogen storage disease, type II. Last evaluated: 2022-07-25. Review status: criteria provided, single submitter. Criteria: Invitae Variant Classification Sherloc (09022015). Collection method: clinical testing. Allele origin: germline.
Comment: This sequence change replaces arginine, which is basic and polar, with glutamine, which is neutral and polar, at codon 436 of the GAA protein (p.Arg436Gln). The frequency data for this variant in the population databases is considered unreliable, as metrics indicate poor data quality at this position in the gnomAD database. This variant has not been reported in the literature in individuals affected with GAA-related conditions. ClinVar contains an entry for this variant (Variation ID: 1519545). Advanced modeling of protein sequence and biophysical properties (such as structural, functional, and spatial information, amino acid conservation, physicochemical variation, residue mobility, and thermodynamic stability) performed at Invitae indicates that this missense variant is not expected to disrupt GAA protein function. In summary, the available evidence is currently insufficient to determine the role of this variant in disease. Therefore, it has been classified as a Variant of Uncertain Significance.

Fulgent Genetics
Classification: Uncertain significance for Glycogen storage disease, type II. Last evaluated: 2021-07-02. Review status: criteria provided, single submitter. Criteria: ACMG Guidelines, 2015. Collection method: clinical testing. Allele origin: unknown.

Juno Genomics, Hangzhou Juno Genomics, Inc
Classification: Uncertain significance for Glycogen storage disease, type II. Review status: criteria provided, single submitter. Criteria: ACMG Guidelines, 2015. Collection method: clinical testing. Allele origin: germline.
Comment: Absent from controls (or at extremely low frequency if recessive) in Genome Aggregation Database.;For recessive disorders, detected in trans with a pathogenic variant.

Literature cited by the submitters: PubMed 40225932 (cited by Genomenon, Inc).

NM_000152.5(GAA):c.1307G>A (p.Arg436Gln)

Gene: GAA (alpha glucosidase; plus strand). Cytogenetic location: 17q25.3.
Variant type: single nucleotide variant.
Coding change: c.1307G>A on transcript NM_000152.5 (MANE Select); coding-DNA position 1307, G replaced by A.
Protein change: p.Arg436Gln; replaces arginine 436 with glutamine.
Molecular consequence: missense variant.
Genome position (GRCh38, 1-based): chr17:80,108,809, G>A. VCF-style: chr17-80108809-G-A. GRCh37 (hg19) VCF-style: chr17-78082608-G-A.
Other names: c.1307G>A, p.Arg436Gln (NM_001079803.3, NM_001079804.3); short protein forms R436Q.
Identifiers: ClinVar variation 1519545 (VCV001519545.9), dbSNP rs748788550, ClinGen allele CA8815256.